The following is an entry in ClinVar:

ClinVar aggregate classification (germline): Uncertain significance (1 of 4 stars; one submission).

Conditions:
Inborn genetic diseases. Identifiers: MedGen C0950123, MeSH D030342.

Allele frequency attached by ClinVar (database versions not stated): gnomAD exomes below 0.00001; TOPMed below 0.00001; gnomAD 0.00001.
gnomAD v4.1: 4 of 1,579,062 alleles (0.00025%); highest among the groups gnomAD compares: African/African-American, 0.0013%; no homozygotes.

Submission:

Ambry Genetics
Classification: Uncertain significance for Inborn genetic diseases. Last evaluated: 2023-07-20. Review status: criteria provided, single submitter. Criteria: Ambry Variant Classification Scheme 2023. Collection method: clinical testing. Allele origin: germline.
Comment: The p.I636T variant (also known as c.1907T>C), located in coding exon 15 of the DPYD gene, results from a T to C substitution at nucleotide position 1907. The isoleucine at codon 636 is replaced by threonine, an amino acid with similar properties. This amino acid position is conserved. In addition, the in silico prediction for this alteration is inconclusive. Since supporting evidence is limited at this time, the clinical significance of this alteration remains unclear.

NM_000110.4(DPYD):c.1907T>C (p.Ile636Thr)

Gene: DPYD (dihydropyrimidine dehydrogenase; minus strand). Cytogenetic location: 1p21.3.
Variant type: single nucleotide variant.
Coding change: c.1907T>C on transcript NM_000110.4 (MANE Select); coding-DNA position 1907, T replaced by C.
Protein change: p.Ile636Thr; replaces isoleucine 636 with threonine.
Molecular consequence: missense variant.
Genome position (GRCh38, 1-based): chr1:97,382,460, A>G on the plus strand (T>C on the coding strand, the complement: DPYD is on the minus strand). VCF-style: chr1-97382460-A-G. GRCh37 (hg19) VCF-style: chr1-97848016-A-G.
Other names: short protein forms I636T.
Identifiers: ClinVar variation 2587441 (VCV002587441.2), dbSNP rs1346856479, ClinGen allele CA341375882.